The following is an entry in ClinVar:

ClinVar aggregate classification (germline): Uncertain significance (1 of 4 stars; one submission).

Allele frequency attached by ClinVar (database versions not stated): gnomAD 0.00004 and 0.00005; gnomAD exomes 0.00004 and 0.00010; TOPMed 0.00004; ExAC 0.00007.
gnomAD v4.1: 66 of 1,606,210 alleles (0.0041%); highest among the groups gnomAD compares: Admixed American, 0.018%; no homozygotes.

Submission:

Labcorp Genetics (formerly Invitae), Labcorp
Classification: Uncertain significance. Last evaluated: 2024-12-02. Review status: criteria provided, single submitter. Criteria: Invitae Variant Classification Sherloc (09022015). Collection method: clinical testing. Allele origin: germline.
Comment: This sequence change replaces aspartic acid, which is acidic and polar, with asparagine, which is neutral and polar, at codon 666 of the KIZ protein (p.Asp666Asn). This variant is present in population databases (rs775652816, gnomAD 0.03%). This variant has not been reported in the literature in individuals affected with KIZ-related conditions. ClinVar contains an entry for this variant (Variation ID: 959350). Experimental studies and prediction algorithms are not available or were not evaluated, and the functional significance of this variant is currently unknown. In summary, the available evidence is currently insufficient to determine the role of this variant in disease. Therefore, it has been classified as a Variant of Uncertain Significance.

NM_018474.6(KIZ):c.1996G>A (p.Asp666Asn)

Gene: KIZ (kizuna centrosomal protein; plus strand). Cytogenetic location: 20p11.23.
Variant type: single nucleotide variant.
Coding change: c.1996G>A on transcript NM_018474.6 (MANE Select); coding-DNA position 1996, G replaced by A.
Protein change: p.Asp666Asn; replaces aspartic acid 666 with asparagine.
Molecular consequence: missense variant.
Genome position (GRCh38, 1-based): chr20:21,246,550, G>A. VCF-style: chr20-21246550-G-A. GRCh37 (hg19) VCF-style: chr20-21227188-G-A.
Other names: c.1687G>A, p.Asp563Asn (NM_001163022.3); c.1597G>A, p.Asp533Asn (NM_001163023.3); c.1849G>A, p.Asp617Asn (NM_001276389.2); c.1942G>A, p.Asp648Asn (NM_001352434.2); c.1633G>A, p.Asp545Asn (NM_001352435.2); c.1654G>A, p.Asp552Asn (NM_001352436.2); short protein forms D563N, D533N, D545N, D552N, D666N, D617N, D648N.
Identifiers: ClinVar variation 959350 (VCV000959350.6), dbSNP rs775652816, ClinGen allele CA9785053.